The following is an entry in ClinVar:

ClinVar aggregate classification (germline): Uncertain significance (1 of 4 stars; one submission).

Allele frequency attached by ClinVar (database versions not stated): gnomAD exomes below 0.00001; TOPMed below 0.00001; ExAC 0.00001.
gnomAD v4.1: 2 of 1,613,896 alleles (0.00012%); highest among the groups gnomAD compares: Admixed American, 0.0017%; no homozygotes.

Submission:

Labcorp Genetics (formerly Invitae), Labcorp
Classification: Uncertain significance. Last evaluated: 2024-10-15. Review status: criteria provided, single submitter. Criteria: Invitae Variant Classification Sherloc (09022015). Collection method: clinical testing. Allele origin: germline.
Comment: This sequence change replaces serine, which is neutral and polar, with glycine, which is neutral and non-polar, at codon 1005 of the ADAMTSL4 protein (p.Ser1005Gly). This variant is present in population databases (rs746196606, gnomAD 0.003%). This variant has not been reported in the literature in individuals affected with ADAMTSL4-related conditions. ClinVar contains an entry for this variant (Variation ID: 2075941). Invitae Evidence Modeling of protein sequence and biophysical properties (such as structural, functional, and spatial information, amino acid conservation, physicochemical variation, residue mobility, and thermodynamic stability) indicates that this missense variant is not expected to disrupt ADAMTSL4 protein function with a negative predictive value of 80%. In summary, the available evidence is currently insufficient to determine the role of this variant in disease. Therefore, it has been classified as a Variant of Uncertain Significance.

NM_019032.6(ADAMTSL4):c.3013A>G (p.Ser1005Gly)

Gene: ADAMTSL4 (ADAMTS like 4; plus strand). Cytogenetic location: 1q21.2.
Variant type: single nucleotide variant.
Coding change: c.3013A>G on transcript NM_019032.6 (MANE Select); coding-DNA position 3013, A replaced by G.
Protein change: p.Ser1005Gly; replaces serine 1005 with glycine.
Molecular consequence: missense variant.
Genome position (GRCh38, 1-based): chr1:150,559,830, A>G. VCF-style: chr1-150559830-A-G. GRCh37 (hg19) VCF-style: chr1-150532306-A-G.
Other names: c.2896A>G, p.Ser966Gly (NM_001288607.2); c.3082A>G, p.Ser1028Gly (NM_001288608.2); c.3013A>G, p.Ser1005Gly (NM_001378596.1); short protein forms S1005G, S1028G, S966G.
Identifiers: ClinVar variation 2075941 (VCV002075941.4), dbSNP rs746196606, ClinGen allele CA1078922.
Genomic context (GRCh38, chr1:150,559,830, plus strand): 5'-TCCTGCCAAGGGGGAACGCAGACACGGGAGGTCCAGTGCCTGAGCACCAACCAGACCCTC[A>G]GCACCCGATGCCCTCCTCAACTGCGGCCCTCCAGGAAGCGCCCCTGTAACAGCCAACCCT-3'
Protein context (NP_061905.2, residues 995-1015): VQCLSTNQTL[Ser1005Gly]TRCPPQLRPS